The following is an entry in ClinVar:

ClinVar aggregate classification (germline): Uncertain significance (1 of 4 stars; one submission).

Submission:

Labcorp Genetics (formerly Invitae), Labcorp
Classification: Uncertain significance. Last evaluated: 2023-06-25. Review status: criteria provided, single submitter. Criteria: Invitae Variant Classification Sherloc (09022015). Collection method: clinical testing. Allele origin: germline.
Comment: In summary, the available evidence is currently insufficient to determine the role of this variant in disease. Therefore, it has been classified as a Variant of Uncertain Significance. Experimental studies and prediction algorithms are not available or were not evaluated, and the functional significance of this variant is currently unknown. This variant has not been reported in the literature in individuals affected with NIN-related conditions. This variant is not present in population databases (gnomAD no frequency). This variant, c.3805_3807del, results in the deletion of 1 amino acid(s) of the NIN protein (p.Met1269del), but otherwise preserves the integrity of the reading frame.

NM_020921.4(NIN):c.3802ATG[1] (p.Met1269del)

Gene: NIN (ninein; minus strand). Cytogenetic location: 14q22.1.
Variant type: Microsatellite.
Coding change: c.3802ATG[1] on transcript NM_020921.4 (MANE Select); one copy of the 3-base unit ATG starting at c.3802; the reference has two copies in a row; one copy, 3 bases deleted.
Protein change: p.Met1269del; deletes methionine 1269.
Molecular consequence: inframe deletion. On other transcripts: intron variant (1).
Genome position (GRCh38, 1-based): chr14:50,757,223-50,757,225, CAT deleted on the plus strand (ATG on the coding strand, the reverse complement: NIN is on the minus strand); deleting any 3 consecutive bases within chr14:50,757,223-50,757,228 gives the same sequence; the position shown is the placement nearest the transcript's 3' end. VCF-style (leftmost placement, unchanged base first): chr14-50757222-CCAT-C. GRCh37 (hg19) VCF-style: chr14-51223940-CCAT-C.
Other names: c.3802ATG[1], p.Met1269del (NM_182944.3, NM_182946.2); c.2400-2358_2400-2356del (NM_016350.5); short protein forms M1269del.
Identifiers: ClinVar variation 2729375 (VCV002729375.3), dbSNP rs2505814630, ClinGen allele CA2697553911.